The following is an entry in ClinVar:

NM_000274.4(OAT):c.515_516del (p.Phe172fs)

Gene: OAT (ornithine aminotransferase; minus strand). Cytogenetic location: 10q26.13.
Variant type: Deletion.
Coding change: c.515_516del on transcript NM_000274.4 (MANE Select); coding-DNA positions 515 to 516, 2 bases deleted (TT; older notation c.515_516delTT).
Protein change: p.Phe172fs; shifts the reading frame from phenylalanine 172.
Molecular consequence: frameshift variant. On other transcripts: 5 prime UTR variant (1), intron variant (1).
Genome position (GRCh38, 1-based): chr10:124,408,546-124,408,547, AA deleted on the plus strand (TT on the coding strand, the reverse complement: OAT is on the minus strand); deleting any 2 consecutive bases within chr10:124,408,546-124,408,550 gives the same sequence; the c. name uses the placement nearest the transcript's 3' end. VCF-style (leftmost placement, unchanged base first): chr10-124408545-CAA-C. GRCh37 (hg19) VCF-style: chr10-126097114-CAA-C.
Other names: c.101_102del, p.Phe34fs (NM_001171814.2); c.515_516del, p.Phe172fs (NM_001322965.2, NM_001322966.2, NM_001322967.2 and 3 more transcripts); c.-200_-199del (NM_001322974.2); c.200-2984_200-2983del (NM_001322971.2); short protein forms F172fs, F34fs.
Identifiers: ClinVar variation 1393887 (VCV001393887.7), dbSNP rs2134476898, ClinGen allele CA2573145622.
Genomic context (GRCh38, chr10:124,408,545, plus strand): 5'-CACAGTAAATTATATTGTATGTTTCAATCATAGAAGTTAATATTTAATTTCACATACCTG[CAA>C]AAACAATCTTTGCTTTGTATTTCTGAATGCCCTTCACGGTATAGCCCCACTTACGAGCTA-3'

ClinVar aggregate classification (germline): Pathogenic/Likely pathogenic. Review status: criteria provided, multiple submitters, no conflicts (2 of 4 stars). 2 submissions from 2 submitters: Pathogenic (1); Likely pathogenic (1). Last evaluated 2023-06-24.

Conditions:
Ornithine aminotransferase deficiency (GACR). Also called: OKT DEFICIENCY; Ornithine ketoacid aminotransferase deficiency; Gyrate atrophy; Gyrate atrophy of choroid and retina; Girate atrophy of the retina; HYPERORNITHINEMIA WITH GYRATE ATROPHY OF CHOROID AND RETINA. Identifiers: Orphanet 414, MedGen C0018425, MONDO:0009796, OMIM 258870.

Submissions (2):

Baylor Genetics
Classification: Likely pathogenic for Ornithine aminotransferase deficiency. Last evaluated: 2023-06-24. Review status: criteria provided, single submitter. Criteria: ACMG Guidelines, 2015. Collection method: clinical testing. Allele origin: unknown.

Labcorp Genetics (formerly Invitae), Labcorp
Classification: Pathogenic for Ornithine aminotransferase deficiency. Last evaluated: 2022-01-05. Review status: criteria provided, single submitter. Criteria: Invitae Variant Classification Sherloc (09022015). Collection method: clinical testing. Allele origin: germline.
Comment: For these reasons, this variant has been classified as Pathogenic. This sequence change creates a premature translational stop signal (p.Phe172Cysfs*8) in the OAT gene. It is expected to result in an absent or disrupted protein product. Loss-of-function variants in OAT are known to be pathogenic (PMID: 1737786, 23076989). This variant has not been reported in the literature in individuals affected with OAT-related conditions. This variant is not present in population databases (gnomAD no frequency).

Literature cited by the submitters: PubMed 1737786 (cited by Labcorp Genetics (formerly Invitae), Labcorp); PubMed 23076989 (cited by Labcorp Genetics (formerly Invitae), Labcorp).